The following is an entry in ClinVar:

ClinVar aggregate classification (germline): Uncertain significance (1 of 4 stars; one submission).

Allele frequency attached by ClinVar (database versions not stated): gnomAD 0.00001.
gnomAD v4.1: 2 of 1,608,190 alleles (0.00012%); highest among the groups gnomAD compares: East Asian, 0.0022%; no homozygotes.

Submission:

Labcorp Genetics (formerly Invitae), Labcorp
Classification: Uncertain significance. Last evaluated: 2023-06-06. Review status: criteria provided, single submitter. Criteria: Invitae Variant Classification Sherloc (09022015). Collection method: clinical testing. Allele origin: germline.
Comment: This sequence change replaces methionine, which is neutral and non-polar, with leucine, which is neutral and non-polar, at codon 301 of the GRHL2 protein (p.Met301Leu). This variant is not present in population databases (gnomAD no frequency). This variant has not been reported in the literature in individuals affected with GRHL2-related conditions. Advanced modeling of protein sequence and biophysical properties (such as structural, functional, and spatial information, amino acid conservation, physicochemical variation, residue mobility, and thermodynamic stability) performed at Invitae indicates that this missense variant is expected to disrupt GRHL2 protein function. In summary, the available evidence is currently insufficient to determine the role of this variant in disease. Therefore, it has been classified as a Variant of Uncertain Significance.

NM_024915.4(GRHL2):c.901A>T (p.Met301Leu)

Gene: GRHL2 (grainyhead like transcription factor 2; plus strand). Cytogenetic location: 8q22.3.
Variant type: single nucleotide variant.
Coding change: c.901A>T on transcript NM_024915.4 (MANE Select); coding-DNA position 901, A replaced by T.
Protein change: p.Met301Leu; replaces methionine 301 with leucine.
Molecular consequence: missense variant.
Genome position (GRCh38, 1-based): chr8:101,577,417, A>T. VCF-style: chr8-101577417-A-T. GRCh37 (hg19) VCF-style: chr8-102589645-A-T.
Other names: c.853A>T, p.Met285Leu (NM_001330593.2); short protein forms M301L, M285L.
Identifiers: ClinVar variation 2860613 (VCV002860613.3), dbSNP rs1811955253, ClinGen allele CA371645014.